The following is an entry in ClinVar:

ClinVar aggregate classification (germline): Uncertain significance. Review status: criteria provided, multiple submitters, no conflicts (2 of 4 stars). 2 submissions from 2 submitters: Uncertain significance (2). Last evaluated 2024-06-03.

Conditions:
Inborn genetic diseases. Identifiers: MedGen C0950123, MeSH D030342.
Predisposition to invasive fungal disease due to CARD9 deficiency (IMD103). Also called: CARD9 IMMUNODEFICIENCY; Candidiasis, familial, 2, autosomal recessive; IMMUNODEFICIENCY 103, SUSCEPTIBILITY TO FUNGAL INFECTIONS. Identifiers: Orphanet 457088, MedGen C1859353, MONDO:0008905, OMIM 212050.

Allele frequency attached by ClinVar (database versions not stated): gnomAD 0.00005 and 0.00006; TOPMed 0.00006.

Submissions (2):

Ambry Genetics
Classification: Uncertain significance for Inborn genetic diseases. Last evaluated: 2024-06-03. Review status: criteria provided, single submitter. Criteria: Ambry Variant Classification Scheme 2023. Collection method: clinical testing. Allele origin: germline.

Labcorp Genetics (formerly Invitae), Labcorp
Classification: Uncertain significance for Predisposition to invasive fungal disease due to CARD9 deficiency. Last evaluated: 2022-08-31. Review status: criteria provided, single submitter. Criteria: Invitae Variant Classification Sherloc (09022015). Collection method: clinical testing. Allele origin: germline.
Comment: This sequence change replaces proline, which is neutral and non-polar, with serine, which is neutral and polar, at codon 432 of the CARD9 protein (p.Pro432Ser). This variant is present in population databases (rs781498143, gnomAD 0.06%). This variant has not been reported in the literature in individuals affected with CARD9-related conditions. ClinVar contains an entry for this variant (Variation ID: 1441210). Algorithms developed to predict the effect of missense changes on protein structure and function (SIFT, PolyPhen-2, Align-GVGD) all suggest that this variant is likely to be tolerated. In summary, the available evidence is currently insufficient to determine the role of this variant in disease. Therefore, it has been classified as a Variant of Uncertain Significance.

NM_052813.5(CARD9):c.1294C>T (p.Pro432Ser)

Gene: CARD9 (caspase recruitment domain family member 9; minus strand). Cytogenetic location: 9q34.3.
Variant type: single nucleotide variant.
Coding change: c.1294C>T on transcript NM_052813.5 (MANE Select); coding-DNA position 1294, C replaced by T.
Protein change: p.Pro432Ser; replaces proline 432 with serine.
Molecular consequence: missense variant.
Genome position (GRCh38, 1-based): chr9:136,367,233, G>A on the plus strand (C>T on the coding strand, the complement: CARD9 is on the minus strand). VCF-style: chr9-136367233-G-A. GRCh37 (hg19) VCF-style: chr9-139261685-G-A.
Other names: c.1294C>T, p.Pro432Ser (NM_052814.4); c.1294C>T (NM_052813.4); short protein forms P432S.
Identifiers: ClinVar variation 1441210 (VCV001441210.5), dbSNP rs781498143, ClinGen allele CA5332730.
Genomic context (GRCh38, chr9:136,367,233, plus strand): 5'-GGTGAAGGAAGGCCAGCCTCGTGCTGGCTGGGGTCTCACTCACCTCCTGGGACCTCCTGG[G>A]TGAGCCATCTTCCAGGTCGGAGCTCTGTGGTCATAGAAAATGGGGTGGGTGGGCTGTGAG-3'
Protein context (NP_434700.2, residues 422-442): VLSSDLEDGS[Pro432Ser]RRSQELSLPQ